The following is an entry in ClinVar:

ClinVar aggregate classification (germline): Uncertain significance (1 of 4 stars; one submission).

Submission:

Labcorp Genetics (formerly Invitae), Labcorp
Classification: Uncertain significance. Last evaluated: 2023-07-17. Review status: criteria provided, single submitter. Criteria: Invitae Variant Classification Sherloc (09022015). Collection method: clinical testing. Allele origin: germline.
Comment: This sequence change replaces leucine, which is neutral and non-polar, with phenylalanine, which is neutral and non-polar, at codon 33 of the PAX1 protein (p.Leu33Phe). This variant is not present in population databases (gnomAD no frequency). This variant has not been reported in the literature in individuals affected with PAX1-related conditions. ClinVar contains an entry for this variant (Variation ID: 1509045). An algorithm developed to predict the effect of missense changes on protein structure and function (PolyPhen-2) suggests that this variant¬†is likely to be tolerated. In summary, the available evidence is currently insufficient to determine the role of this variant in disease. Therefore, it has been classified as a Variant of Uncertain Significance.

NM_001257096.2(PAX1):c.97C>T (p.Leu33Phe)

Gene: PAX1 (paired box 1; plus strand). Cytogenetic location: 20p11.22.
Variant type: single nucleotide variant.
Coding change: c.97C>T on transcript NM_001257096.2 (MANE Select); coding-DNA position 97, C replaced by T.
Protein change: p.Leu33Phe; replaces leucine 33 with phenylalanine.
Molecular consequence: missense variant.
Genome position (GRCh38, 1-based): chr20:21,705,809, C>T. VCF-style: chr20-21705809-C-T. GRCh37 (hg19) VCF-style: chr20-21686447-C-T.
Other names: c.97C>T, p.Leu33Phe (NM_006192.5); short protein forms L33F.
Identifiers: ClinVar variation 1509045 (VCV001509045.6), dbSNP rs2122130557, ClinGen allele CA408496859.